The following is an entry in ClinVar:

NM_000199.5(SGSH):c.1456G>C (p.Val486Leu)

Gene: SGSH (N-sulfoglucosamine sulfohydrolase; minus strand). Cytogenetic location: 17q25.3.
Variant type: single nucleotide variant.
Coding change: c.1456G>C on transcript NM_000199.5 (MANE Select); coding-DNA position 1456, G replaced by C.
Protein change: p.Val486Leu; replaces valine 486 with leucine.
Molecular consequence: missense variant. On other transcripts: 3 prime UTR variant (2), non-coding transcript variant (1).
Genome position (GRCh38, 1-based): chr17:80,210,505, C>G on the plus strand (G>C on the coding strand, the complement: SGSH is on the minus strand). VCF-style: chr17-80210505-C-G. GRCh37 (hg19) VCF-style: chr17-78184304-C-G.
Other names: c.*543G>C (NM_001352921.3); c.*506G>C (NM_001352922.2); c.1456G>C (NM_000199.3); short protein forms V486L.
Identifiers: ClinVar variation 1447423 (VCV001447423.4), dbSNP rs764585957, ClinGen allele CA8817574.

ClinVar aggregate classification (germline): Uncertain significance. Review status: criteria provided, multiple submitters, no conflicts (2 of 4 stars). 2 submissions from 2 submitters: Uncertain significance (2). Last evaluated 2026-05-29.

Conditions:
Mucopolysaccharidosis, MPS-III-A (MPS3A). Also called: HEPARAN SULFATE SULFATASE DEFICIENCY; SANFILIPPO SYNDROME A; SULFAMIDASE DEFICIENCY; MPS III A; MPS IIIA (Sanfilippo Syndrome Type A); Mucopolysaccharidosis type IIIA (Sanfilippo A). Identifiers: Orphanet 581, Orphanet 79269, MedGen C0086647, MONDO:0009655, OMIM 252900.
SGSH-related disorder. Also called: SGSH-related condition.

gnomAD v4.1: 48 of 1,606,844 alleles (0.003%); highest among the groups gnomAD compares: Admixed American, 0.04%; no homozygotes.

Submissions (2):

PreventionGenetics, part of Exact Sciences
Classification: Uncertain significance for SGSH-related condition. Last evaluated: 2026-05-29. Review status: criteria provided, single submitter. Criteria: ACMG Guidelines, 2015. Collection method: clinical testing. Allele origin: germline.
Comment: The SGSH c.1456G>C variant is predicted to result in the amino acid substitution p.Val486Leu. To our knowledge, this variant has not been reported in the literature. This variant is reported in 0.015% of alleles in individuals of Latino descent in gnomAD. At this time, the clinical significance of this variant is uncertain due to the absence of conclusive functional and genetic evidence.

Labcorp Genetics (formerly Invitae), Labcorp
Classification: Uncertain significance for Mucopolysaccharidosis, MPS-III-A. Last evaluated: 2022-09-12. Review status: criteria provided, single submitter. Criteria: Invitae Variant Classification Sherloc (09022015). Collection method: clinical testing. Allele origin: germline.
Comment: This sequence change replaces valine, which is neutral and non-polar, with leucine, which is neutral and non-polar, at codon 486 of the SGSH protein (p.Val486Leu). This variant is present in population databases (rs764585957, gnomAD 0.01%). This variant has not been reported in the literature in individuals affected with SGSH-related conditions. ClinVar contains an entry for this variant (Variation ID: 1447423). Advanced modeling of protein sequence and biophysical properties (such as structural, functional, and spatial information, amino acid conservation, physicochemical variation, residue mobility, and thermodynamic stability) performed at Invitae indicates that this missense variant is not expected to disrupt SGSH protein function. This variant disrupts the p.Val486 amino acid residue in SGSH. Other variant(s) that disrupt this residue have been determined to be pathogenic (PMID: 11182930). This suggests that this residue is clinically significant, and that variants that disrupt this residue are likely to be disease-causing. In summary, the available evidence is currently insufficient to determine the role of this variant in disease. Therefore, it has been classified as a Variant of Uncertain Significance.

Literature cited by the submitters: PubMed 11182930 (cited by Labcorp Genetics (formerly Invitae), Labcorp).